The following is an entry in ClinVar:

ClinVar aggregate classification (germline): Uncertain significance (1 of 4 stars; one submission).

Submission:

Laboratory for Molecular Medicine, Mass General Brigham Personalized Medicine
Classification: Uncertain significance. Last evaluated: 2013-08-27. Review status: criteria provided, single submitter. Criteria: LMM Criteria. Collection method: clinical testing. Allele origin: germline. Observed: 2 variant alleles.
Comment: H owever, it has also been identified in 0.1% (1/1323) of European chromosomes by the ClinSeq project (dbSNP rs201882896). Computational analyses (biochemical ami no acid properties, conservation, AlignGVGD, PolyPhen2, and SIFT) do not provide strong support for or against an impact to the protein. In summary, additional information is needed to fully assess the clinical significance of the Asp352Gly variant.

NM_004333.6(BRAF):c.1055A>G (p.Asp352Gly)

Genes: BRAF (B-Raf proto-oncogene, serine/threonine kinase; minus strand), LOC126860202 (BRD4-independent group 4 enhancer GRCh37_chr7:140493623-140494822; plus strand). Cytogenetic location: 7q34.
Variant type: single nucleotide variant.
Coding change: c.1055A>G on transcript NM_004333.6 (MANE Select); coding-DNA position 1055, A replaced by G.
Protein change: p.Asp352Gly; replaces aspartic acid 352 with glycine.
Molecular consequence: missense variant.
Genome position (GRCh38, 1-based): chr7:140,794,393, T>C on the plus strand (A>G on the coding strand, the complement: BRAF is on the minus strand). VCF-style: chr7-140794393-T-C. GRCh37 (hg19) VCF-style: chr7-140494193-T-C.
Other names: c.1055A>G, p.Asp352Gly (NM_001354609.2, NM_001374244.1, NM_001374258.1 and 4 more transcripts); c.1064A>G, p.Asp355Gly (NM_001378467.1); c.953A>G, p.Asp318Gly (NM_001378470.1); c.899A>G, p.Asp300Gly (NM_001378472.1, NM_001378473.1); c.791A>G, p.Asp264Gly (NM_001378475.1); short protein forms D352G, D318G, D355G, D264G, D300G.
Identifiers: ClinVar variation 162803 (VCV000162803.4), dbSNP rs201882896, ClinGen allele CA175343.